The following is an entry in ClinVar:

ClinVar aggregate classification (germline): Uncertain significance (1 of 4 stars; one submission).

Conditions:
Aortic aneurysm, familial thoracic 6 (AAT6). Also called: FAMILIAL THORACIC AORTIC ANEURYSM WITH LIVEDO RETICULARIS AND IRIS FLOCCULI. Identifiers: MedGen C2673186, MONDO:0012730, OMIM 611788.

Submission:

Labcorp Genetics (formerly Invitae), Labcorp
Classification: Uncertain significance for Aortic aneurysm, familial thoracic 6. Last evaluated: 2025-01-11. Review status: criteria provided, single submitter. Criteria: Invitae Variant Classification Sherloc (09022015). Collection method: clinical testing. Allele origin: germline.
Comment: This sequence change replaces isoleucine, which is neutral and non-polar, with asparagine, which is neutral and polar, at codon 359 of the ACTA2 protein (p.Ile359Asn). This variant is not present in population databases (gnomAD no frequency). This variant has not been reported in the literature in individuals affected with ACTA2-related conditions. Invitae Evidence Modeling of protein sequence and biophysical properties (such as structural, functional, and spatial information, amino acid conservation, physicochemical variation, residue mobility, and thermodynamic stability) indicates that this missense variant is expected to disrupt ACTA2 protein function with a positive predictive value of 80%. In summary, the available evidence is currently insufficient to determine the role of this variant in disease. Therefore, it has been classified as a Variant of Uncertain Significance.

NM_001613.4(ACTA2):c.1076T>A (p.Ile359Asn)

Genes: ACTA2 (actin alpha 2, smooth muscle; minus strand), ACTA2-AS1 (ACTA2 antisense RNA 1; plus strand). Cytogenetic location: 10q23.31.
Variant type: single nucleotide variant.
Coding change: c.1076T>A on transcript NM_001613.4 (MANE Select); coding-DNA position 1076, T replaced by A.
Protein change: p.Ile359Asn; replaces isoleucine 359 with asparagine.
Molecular consequence: missense variant. On other transcripts: non-coding transcript variant (1).
Genome position (GRCh38, 1-based): chr10:88,935,281, A>T on the plus strand (T>A on the coding strand, the complement: ACTA2 is on the minus strand). VCF-style: chr10-88935281-A-T. GRCh37 (hg19) VCF-style: chr10-90695038-A-T.
Other names: c.1076T>A, p.Ile359Asn (NM_001141945.3, NM_001320855.2, NM_001406462.1 and 2 more transcripts); c.965T>A, p.Ile322Asn (NM_001406466.1); c.947T>A, p.Ile316Asn (NM_001406467.1, NM_001406468.1, NM_001406469.1); c.884T>A, p.Ile295Asn (NM_001406471.1); short protein forms I295N, I359N, I322N, I316N.
Identifiers: ClinVar variation 3721819 (VCV003721819.2).